The following is an entry in ClinVar:

ClinVar aggregate classification (germline): Benign/Likely benign. Review status: criteria provided, multiple submitters, no conflicts (2 of 4 stars). 3 submissions from 3 submitters: Benign (1); Likely benign (2). Last evaluated 2026-02-02.

Conditions:
Autosomal recessive spinocerebellar ataxia 14. Also called: CEREBELLAR ATAXIA, AUTOSOMAL RECESSIVE, SPECTRIN-ASSOCIATED, 1. Identifiers: Orphanet 352403, MedGen C4706415, MONDO:0014159, OMIM 615386.

Allele frequency attached by ClinVar (database versions not stated): 1000 Genomes Project 30x 0.00047; 1000 Genomes Project 0.00060; TOPMed 0.00111; gnomAD 0.00127 and 0.00132; gnomAD exomes 0.00156 and 0.00188; ExAC 0.00168; ESP Exome Variant Server 0.00178.
gnomAD v4.1: 2,889 of 1,610,056 alleles (0.18%); highest among the groups gnomAD compares: Non-Finnish European, 0.22%; 7 homozygotes.

Submissions (3):

Labcorp Genetics (formerly Invitae), Labcorp
Classification: Benign. Last evaluated: 2026-02-02. Review status: criteria provided, single submitter. Criteria: Invitae Variant Classification Sherloc (09022015). Collection method: clinical testing. Allele origin: germline.

Blueprint Genetics
Classification: Likely benign. Last evaluated: 2024-11-25. Review status: criteria provided, single submitter. Criteria: ACMG Guidelines, 2015. Collection method: clinical testing. Allele origin: germline.

Illumina Laboratory Services, Illumina
Classification: Likely benign for Autosomal recessive spinocerebellar ataxia 14. Last evaluated: 2017-04-27. Review status: criteria provided, single submitter. Criteria: ICSL Variant Classification Criteria 13 December 2019. Collection method: clinical testing. Allele origin: germline.
Comment: This variant was observed as part of a predisposition screen in an ostensibly healthy population. A literature search was performed for the gene, cDNA change, and amino acid change (where applicable). No publications were found based on this search. Allele frequency data from public databases allowed determination this variant is unlikely to cause disease. Therefore, this variant is classified as likely benign.

NM_006946.4(SPTBN2):c.1807+13C>T

Gene: SPTBN2 (spectrin beta, non-erythrocytic 2; minus strand). Cytogenetic location: 11q13.2.
Variant type: single nucleotide variant.
Coding change: c.1807+13C>T on transcript NM_006946.4 (MANE Select); 13 bases into the intron after coding-DNA position 1807, C replaced by T.
Molecular consequence: intron variant.
Genome position (GRCh38, 1-based): chr11:66,705,671, G>A on the plus strand (C>T on the coding strand, the complement: SPTBN2 is on the minus strand). VCF-style: chr11-66705671-G-A. GRCh37 (hg19) VCF-style: chr11-66473142-G-A.
Identifiers: ClinVar variation 305581 (VCV000305581.14), dbSNP rs151122248, ClinGen allele CA6129265.
Genomic context (GRCh38, chr11:66,705,671, plus strand): 5'-AACCCTTCCACCTCGGCTCTTGATGTGCTCCTTCCCAGCCCCTCCCTCTCCAGTGCCTTC[G>A]CTGACTTCTCACCTTTCCCTGGGTTGCAGAAGCGCAGGGCAGAGGCGCTGACGGCCCGCA-3'